The following is an entry in ClinVar:

ClinVar aggregate classification (germline): Benign. Review status: criteria provided, multiple submitters, no conflicts (2 of 4 stars). 12 submissions from 11 submitters: Benign (10). 2 of the submissions do not count toward it. Last evaluated 2026-02-04.

Conditions:
CK syndrome. Also called: MENTAL RETARDATION, X-LINKED, WITH THIN BODY HABITUS AND CORTICAL MALFORMATION. Identifiers: Orphanet 251383, MedGen C3151781, MONDO:0010441, OMIM 300831.
Child syndrome. Also called: CHILD (Congenital Hemidysplasia with Ichthyosiform Nevus and Limb Defects) Syndrome. Identifiers: Orphanet 139, MedGen C0265267, MONDO:0010621, OMIM 308050.

Allele frequency attached by ClinVar (database versions not stated): ESP Exome Variant Server 0.82069; gnomAD 0.83345; TOPMed 0.84137; 1000 Genomes Project 0.86146; 1000 Genomes Project 30x 0.86223; ExAC 0.87637; gnomAD exomes 0.88181.

Submissions (12):

Labcorp Genetics (formerly Invitae), Labcorp
Classification: Benign. Last evaluated: 2026-02-04. Review status: criteria provided, single submitter. Criteria: Invitae Variant Classification Sherloc (09022015). Collection method: clinical testing. Allele origin: germline.

Blueprint Genetics
Classification: Benign. Last evaluated: 2024-11-28. Review status: criteria provided, single submitter. Criteria: ACMG Guidelines, 2015. Collection method: clinical testing. Allele origin: germline.

Genome-Nilou Lab
Classification: Benign for Child syndrome. Last evaluated: 2021-09-05. Review status: criteria provided, single submitter. Criteria: ACMG Guidelines, 2015. Collection method: clinical testing. Allele origin: germline. Affected: no.

Genome-Nilou Lab
Classification: Benign for CK syndrome. Last evaluated: 2021-09-05. Review status: criteria provided, single submitter. Criteria: ACMG Guidelines, 2015. Collection method: clinical testing. Allele origin: germline. Affected: no.

Mayo Clinic Laboratories, Mayo Clinic
Classification: Benign. Last evaluated: 2021-04-07. Review status: criteria provided, single submitter. Criteria: ACMG Guidelines, 2015. Collection method: clinical testing. Allele origin: germline. Observed: 1 variant allele.

GeneDx
Classification: Benign. Last evaluated: 2017-04-04. Review status: criteria provided, single submitter. Criteria: GeneDx Variant Classification (06012015). Collection method: clinical testing. Allele origin: germline. Affected: yes.
Comment: This variant is considered likely benign or benign based on one or more of the following criteria: it is a conservative change, it occurs at a poorly conserved position in the protein, it is predicted to be benign by multiple in silico algorithms, and/or has population frequency not consistent with disease.

Eurofins Ntd Llc (ga)
Classification: Benign. Last evaluated: 2015-06-02. Review status: criteria provided, single submitter. Criteria: EGL Classification Definitions 2015. Collection method: clinical testing. Allele origin: germline. Observed: 7 variant alleles, 5 homozygotes, 2 hemizygotes.

Genetic Services Laboratory, University of Chicago
Classification: Benign. Last evaluated: 2013-02-08. Review status: criteria provided, single submitter. Criteria: ACMG Guidelines, 2007. Collection method: clinical testing. Allele origin: germline. Inheritance: X-linked inheritance.

Breakthrough Genomics
Classification: Benign. Review status: criteria provided, single submitter. Criteria: ACMG Guidelines, 2015. Collection method: not provided. Allele origin: germline. Inheritance: X-linked inheritance. Affected: yes.

PreventionGenetics, part of Exact Sciences
Classification: Benign. Review status: criteria provided, single submitter. Criteria: ACMG Guidelines, 2015. Collection method: clinical testing. Allele origin: germline.

Diagnostic Laboratory, Department of Genetics, University Medical Center Groningen
Classification: Benign. Review status: no assertion criteria provided. Collection method: clinical testing. Allele origin: germline. Affected: yes. Study: VKGL Data-share Consensus. Not counted in ClinVar's aggregate classification.

Joint Genome Diagnostic Labs from Nijmegen and Maastricht, Radboudumc and MUMC+
Classification: Benign. Review status: no assertion criteria provided. Collection method: clinical testing. Allele origin: germline. Affected: yes. Study: VKGL Data-share Consensus. Not counted in ClinVar's aggregate classification.

NM_015922.3(NSDHL):c.132T>G (p.Gly44=)

Gene: NSDHL (NAD(P) dependent 3-beta-hydroxysteroid dehydrogenase NSDHL; plus strand). Cytogenetic location: Xq28.
Variant type: single nucleotide variant.
Coding change: c.132T>G on transcript NM_015922.3 (MANE Select); coding-DNA position 132, T replaced by G.
Protein change: p.Gly44=; no amino-acid change (glycine 44 retained).
Molecular consequence: synonymous variant.
Genome position (GRCh38, 1-based): chrX:152,850,288, T>G. VCF-style: chrX-152850288-T-G. GRCh37 (hg19) VCF-style: chrX-152018832-T-G.
Other names: p.Gly44=; c.132T>G, p.Gly44= (NM_001129765.2).
Identifiers: ClinVar variation 159450 (VCV000159450.27), dbSNP rs5969919, ClinGen allele CA172876.